The following is an entry in ClinVar:

ClinVar aggregate classification (germline): Benign. Review status: criteria provided, multiple submitters, no conflicts (2 of 4 stars). 9 submissions from 9 submitters: Benign (6). 3 of the submissions do not count toward it. Last evaluated 2026-02-04.

Conditions:
Inborn genetic diseases. Identifiers: MedGen C0950123, MeSH D030342.
Benign neonatal seizures. Also called: Benign familial neonatal epilepsy; Benign familial neonatal seizures; Benign neonatal familial convulsions; Convulsions benign familial neonatal dominant form; Autosomal dominant form of benign neonatal seizures. Identifiers: Orphanet 1949, MedGen C0220669, MONDO:0016027.
Seizures, benign familial neonatal, 2. Also called: KCNQ3-Related Benign Familial Neonatal Epilepsy; KCNQ3-Related Self-Limited Familial Neonatal Epilepsy (SLFNE); Benign Neonatal Epilepsy 2; Seizures, benign neonatal, 2; CONVULSIONS, BENIGN FAMILIAL NEONATAL, 2. Identifiers: Orphanet 1949, MedGen C1852581, MONDO:0007366, OMIM 121201.

Allele frequency attached by ClinVar (database versions not stated): gnomAD exomes 0.05243 and 0.06492; 1000 Genomes Project 30x 0.02327; gnomAD 0.05124 and 0.05312; 1000 Genomes Project 0.02416; ExAC 0.05125; TOPMed 0.04353; ESP Exome Variant Server 0.05167.
gnomAD v4.1: 102,221 of 1,614,106 alleles (6.3%); highest among the groups gnomAD compares: Non-Finnish European, 7.2%; 3,676 homozygotes.

Submissions (9):

Labcorp Genetics (formerly Invitae), Labcorp
Classification: Benign for Benign neonatal seizures. Last evaluated: 2026-02-04. Review status: criteria provided, single submitter. Criteria: Invitae Variant Classification Sherloc (09022015). Collection method: clinical testing. Allele origin: germline.

Mayo Clinic Laboratories, Mayo Clinic
Classification: Benign. Last evaluated: 2018-04-10. Review status: criteria provided, single submitter. Criteria: ACMG Guidelines, 2015. Collection method: clinical testing. Allele origin: germline. Observed: 57 variant alleles.

Illumina Laboratory Services, Illumina
Classification: Benign for Seizures, benign familial neonatal, 2. Last evaluated: 2018-01-13. Review status: criteria provided, single submitter. Criteria: ICSL Variant Classification Criteria 13 December 2019. Collection method: clinical testing. Allele origin: germline.
Comment: This variant was observed in the ICSL laboratory as part of a predisposition screen in an ostensibly healthy population. It had not been previously curated by ICSL or reported in the Human Gene Mutation Database (HGMD: prior to June 1st, 2018), and was therefore a candidate for classification through an automated scoring system. Utilizing variant allele frequency, disease prevalence and penetrance estimates, and inheritance mode, an automated score was calculated to assess if this variant is too frequent to cause the disease. Based on the score and internal cut-off values, a variant classified as benign is not then subjected to further curation. The score for this variant resulted in a classification of benign for this disease.

Ambry Genetics
Classification: Benign for Inborn genetic diseases. Last evaluated: 2016-04-14. Review status: criteria provided, single submitter. Criteria: Ambry Variant Classification Scheme 2023. Collection method: clinical testing. Allele origin: germline.

GeneDx
Classification: Benign. Last evaluated: 2015-03-03. Review status: criteria provided, single submitter. Criteria: GeneDx Variant Classification Process June 2021. Collection method: clinical testing. Allele origin: germline. Affected: yes.

Breakthrough Genomics
Classification: Benign. Review status: criteria provided, single submitter. Criteria: ACMG Guidelines, 2015. Collection method: not provided. Allele origin: germline. Inheritance: Autosomal dominant inheritance. Affected: yes.

Genetic Services Laboratory, University of Chicago
Classification: Likely benign for AllHighlyPenetrant. Review status: no assertion criteria provided. Collection method: clinical testing. Allele origin: germline. Inheritance: Autosomal dominant inheritance. Not counted in ClinVar's aggregate classification.
Comment: Likely benign based on allele frequency in 1000 Genomes Project or ESP global frequency and its presence in a patient with a rare or unrelated disease phenotype. NOT Sanger confirmed.

Genome Diagnostics Laboratory, University Medical Center Utrecht
Classification: Benign. Review status: no assertion criteria provided. Collection method: clinical testing. Allele origin: germline. Affected: yes. Study: VKGL Data-share Consensus. Not counted in ClinVar's aggregate classification.

Joint Genome Diagnostic Labs from Nijmegen and Maastricht, Radboudumc and MUMC+
Classification: Benign. Review status: no assertion criteria provided. Collection method: clinical testing. Allele origin: germline. Affected: yes. Study: VKGL Data-share Consensus. Not counted in ClinVar's aggregate classification.

NM_004519.4(KCNQ3):c.660T>C (p.Asn220=)

Gene: KCNQ3 (potassium voltage-gated channel subfamily Q member 3; minus strand). Cytogenetic location: 8q24.22.
Variant type: single nucleotide variant.
Coding change: c.660T>C on transcript NM_004519.4 (MANE Select); coding-DNA position 660, T replaced by C.
Protein change: p.Asn220=; no amino-acid change (asparagine 220 retained).
Molecular consequence: synonymous variant.
Genome position (GRCh38, 1-based): chr8:132,180,274, A>G on the plus strand (T>C on the coding strand, the complement: KCNQ3 is on the minus strand). VCF-style: chr8-132180274-A-G. GRCh37 (hg19) VCF-style: chr8-133192521-A-G.
Other names: p.Asn220=; c.300T>C, p.Asn100= (NM_001204824.2).
Identifiers: ClinVar variation 129349 (VCV000129349.31), dbSNP rs41272389, ClinGen allele CA153299.